The following is an entry in ClinVar:

ClinVar aggregate classification (germline): Pathogenic (1 of 4 stars; one submission).

Allele frequency attached by ClinVar (database versions not stated): TOPMed below 0.00001.

Submission:

Labcorp Genetics (formerly Invitae), Labcorp
Classification: Pathogenic. Last evaluated: 2023-09-12. Review status: criteria provided, single submitter. Criteria: Invitae Variant Classification Sherloc (09022015). Collection method: clinical testing. Allele origin: germline.
Comment: For these reasons, this variant has been classified as Pathogenic. This variant has not been reported in the literature in individuals affected with FRAS1-related conditions. This variant is not present in population databases (gnomAD no frequency). This sequence change creates a premature translational stop signal (p.Gln2244*) in the FRAS1 gene. It is expected to result in an absent or disrupted protein product. Loss-of-function variants in FRAS1 are known to be pathogenic (PMID: 12766769, 18671281).

Literature cited by the submitters: PubMed 12766769; PubMed 18671281.

NM_025074.7(FRAS1):c.6730C>T (p.Gln2244Ter)

Gene: FRAS1 (Fraser extracellular matrix complex subunit 1; plus strand). Cytogenetic location: 4q21.21.
Variant type: single nucleotide variant.
Coding change: c.6730C>T on transcript NM_025074.7 (MANE Select); coding-DNA position 6730, C replaced by T.
Protein change: p.Gln2244Ter; replaces glutamine 2244 with a stop codon.
Molecular consequence: nonsense.
Genome position (GRCh38, 1-based): chr4:78,452,321, C>T. VCF-style: chr4-78452321-C-T. GRCh37 (hg19) VCF-style: chr4-79373475-C-T.
Other names: short protein forms Q2244*.
Identifiers: ClinVar variation 2807232 (VCV002807232.3), dbSNP rs1719050838, ClinGen allele CA357397236.